The following is an entry in ClinVar:

ClinVar aggregate classification (germline): Pathogenic. Review status: reviewed by expert panel (3 of 4 stars). 2 submissions from 2 submitters: Pathogenic (1). 1 of the submissions does not count toward it. Last evaluated 2026-10-30.

Conditions:
RPGR-related retinopathy. Also called: RPGR retinopathy. Identifiers: MedGen CN305589, MONDO:0100437.
Primary ciliary dyskinesia. Also called: Ciliary dyskinesia. Identifiers: Orphanet 244, MedGen C0008780, MONDO:0016575, HP:0012265.

Submissions (2):

ClinGen X-linked Inherited Retinal Disease Variant Curation Expert Panel, ClinGen
Classification: Pathogenic for RPGR-related retinopathy. Last evaluated: 2026-10-30. Review status: reviewed by expert panel. Criteria: ClinGen X LinkedIRD ACMG Specifications RPGR V1.0.0. Collection method: curation. Allele origin: germline. Inheritance: X-linked inheritance.
Comment: NM_001034853.2(RPGR):c.3106del (p.Glu1036LysfsTer?) is a frameshift variant caused by a one-nucleotide deletion, introducing a premature stop codon in exon 15 of 15, which is predicted to disrupt a critical C-terminal region required for proper glutamylation of RPGR (PVS1, PMID: 36445968). This variant is absent from hemizygous individuals in gnomAD v4.1.2 (PM2_Supporting). This variant has been reported in at least 1 proband (PMID: 23372056), however, the number of individuals meeting the PS4 requirement of some functional vision impairment in affected males by age 30 years, with decreased or absent cone and/or rod electroretinogram responses was fewer than the requirement of at least 2 unrelated probands, so PS4_Supporting was not met. The variant has been reported to segregate with retinal dystrophy through at least 3 affected meioses from 1 family. (PP1_Moderate; PMID 23372056, information from an IRD-VCEP panel member). In summary, this variant is classified as Pathogenic for RPGR-related retinopathy based on the ClinGen X-linked Inherited Retinal Disease Expert Panel Specifications to the ACMG/AMP Variant Interpretation Guidelines for RPGR Version 1.0.0: PVS1, PM2_supporting, and PP1_moderate.

Labcorp Genetics (formerly Invitae), Labcorp
Classification: Pathogenic for Primary ciliary dyskinesia. Last evaluated: 2022-02-05. Review status: criteria provided, single submitter. Criteria: Invitae Variant Classification Sherloc (09022015). Collection method: clinical testing. Allele origin: germline. Not counted in ClinVar's aggregate classification.
Comment: For these reasons, this variant has been classified as Pathogenic. This variant disrupts a region of the RPGR (ORF15) protein in which other variant(s) (p.Leu1130Lysfs*13 ) have been determined to be pathogenic (PMID: 22264887; Invitae). This suggests that this is a clinically significant region of the protein, and that variants that disrupt it are likely to be disease-causing. This premature translational stop signal has been observed in individual(s) with retinitis pigmentosa (PMID: 23372056). This variant is not present in population databases (gnomAD no frequency). This sequence change creates a premature translational stop signal (p.Glu1036Lysfs*53) in the RPGR (ORF15) gene. While this is not anticipated to result in nonsense mediated decay, it is expected to disrupt the last 117 amino acid(s) of the RPGR (ORF15) protein.

Literature cited by the submitters: PubMed 22264887 (cited by Labcorp Genetics (formerly Invitae), Labcorp); PubMed 23372056 (cited by Labcorp Genetics (formerly Invitae), Labcorp).

NM_001034853.2(RPGR):c.3106del (p.Glu1036fs)

Gene: RPGR (retinitis pigmentosa GTPase regulator; minus strand). Cytogenetic location: Xp11.4.
Variant type: Deletion.
Coding change: c.3106del on transcript NM_001034853.2 (MANE Select); coding-DNA position 3106, one base deleted (G; older notation c.3106delG).
Protein change: p.Glu1036fs; shifts the reading frame from glutamic acid 1036.
Molecular consequence: frameshift variant. On other transcripts: intron variant (8).
Genome position (GRCh38, 1-based): chrX:38,285,893, C deleted on the plus strand (G on the coding strand, the reverse complement: RPGR is on the minus strand); the first of 2 consecutive C bases (chrX:38,285,893-38,285,894); deleting either gives the same sequence. VCF-style (leftmost placement, unchanged base first): chrX-38285892-TC-T. GRCh37 (hg19) VCF-style: chrX-38145145-TC-T.
Other names: c.1719+1201del (NM_001367246.1); c.1572+5066del (NM_001367247.1); c.1905+1201del (NM_000328.3); c.1602+5066del (NM_001367248.1); c.1569+5066del (NM_001367249.1, NM_001367250.1); c.1902+1201del (NM_001367245.1); c.1386+5066del (NM_001367251.1); short protein forms E1036fs.
Identifiers: ClinVar variation 2138528 (VCV002138528.5), dbSNP rs2519781820, ClinGen allele CA2580100811.